The following is an entry in ClinVar:

ClinVar aggregate classification (germline): Uncertain significance (1 of 4 stars; one submission).

Conditions:
Hereditary cancer-predisposing syndrome. Also called: Hereditary neoplastic syndrome; Neoplastic Syndromes, Hereditary; Tumor predisposition; Hereditary Cancer Syndrome. Identifiers: Orphanet 140162, MedGen C0027672, MeSH D009386, MONDO:0015356.

Submission:

Ambry Genetics
Classification: Uncertain significance for Hereditary cancer-predisposing syndrome. Last evaluated: 2025-07-11. Review status: criteria provided, single submitter. Criteria: Ambry Variant Classification Scheme 2023. Collection method: clinical testing. Allele origin: germline.
Comment: The p.N775T variant (also known as c.2324A>C), located in coding exon 14 of the PMS2 gene, results from an A to C substitution at nucleotide position 2324. The asparagine at codon 775 is replaced by threonine, an amino acid with similar properties. This amino acid position is conserved. In addition, the in silico prediction for this alteration is inconclusive. Based on the available evidence, the clinical significance of this variant remains unclear.

NM_000535.7(PMS2):c.2324A>C (p.Asn775Thr)

Gene: PMS2 (PMS1 homolog 2, mismatch repair system component; minus strand). Cytogenetic location: 7p22.1.
Variant type: single nucleotide variant.
Coding change: c.2324A>C on transcript NM_000535.7 (MANE Select); coding-DNA position 2324, A replaced by C.
Protein change: p.Asn775Thr; replaces asparagine 775 with threonine.
Molecular consequence: missense variant. On other transcripts: non-coding transcript variant (1).
Genome position (GRCh38, 1-based): chr7:5,977,709, T>G on the plus strand (A>C on the coding strand, the complement: PMS2 is on the minus strand). VCF-style: chr7-5977709-T-G. GRCh37 (hg19) VCF-style: chr7-6017340-T-G.
Other names: c.2006A>C, p.Asn669Thr (NM_001322007.2, NM_001322008.2, NM_001406883.1); c.1952A>C, p.Asn651Thr (NM_001322009.2, NM_001406887.1, NM_001406888.1); c.1763A>C, p.Asn588Thr (NM_001322010.2, NM_001406906.1, NM_001406907.1); c.1391A>C, p.Asn464Thr (NM_001322011.2, NM_001322012.2); c.1751A>C, p.Asn584Thr (NM_001322013.2, NM_001406908.1, NM_001406909.1); c.2357A>C, p.Asn786Thr (NM_001322014.2); c.2015A>C, p.Asn672Thr (NM_001322015.2, NM_001406877.1, NM_001406878.1 and 4 more transcripts); c.2000A>C, p.Asn667Thr (NM_001406884.1); and 20 more; short protein forms N584T, N617T, N640T, N663T, N719T, N739T, N374T, N464T.
Identifiers: ClinVar variation 4140500 (VCV004140500.1).